The following is an entry in ClinVar:

ClinVar aggregate classification (germline): Uncertain significance (1 of 4 stars; one submission).

Allele frequency attached by ClinVar (database versions not stated): gnomAD exomes 0.00001; TOPMed 0.00001; ExAC 0.00003; ESP Exome Variant Server 0.00016; 1000 Genomes Project 0.00040; 1000 Genomes Project 30x 0.00047.
gnomAD v4.1: 24 of 1,602,826 alleles (0.0015%); highest among the groups gnomAD compares: Middle Eastern, 0.016%; no homozygotes.

Submission:

Labcorp Genetics (formerly Invitae), Labcorp
Classification: Uncertain significance. Last evaluated: 2025-09-15. Review status: criteria provided, single submitter. Criteria: Invitae Variant Classification Sherloc (09022015). Collection method: clinical testing. Allele origin: germline.
Comment: This sequence change replaces arginine, which is basic and polar, with tryptophan, which is neutral and slightly polar, at codon 872 of the MYO5B protein (p.Arg872Trp). This variant is present in population databases (rs199658277, gnomAD 0.01%). This variant has not been reported in the literature in individuals affected with MYO5B-related conditions. ClinVar contains an entry for this variant (Variation ID: 1007669). Invitae Evidence Modeling of protein sequence and biophysical properties (such as structural, functional, and spatial information, amino acid conservation, physicochemical variation, residue mobility, and thermodynamic stability) indicates that this missense variant is expected to disrupt MYO5B protein function with a positive predictive value of 80%. In summary, the available evidence is currently insufficient to determine the role of this variant in disease. Therefore, it has been classified as a Variant of Uncertain Significance.

NM_001080467.3(MYO5B):c.2614C>T (p.Arg872Trp)

Gene: MYO5B (myosin VB; minus strand). Cytogenetic location: 18q21.1.
Variant type: single nucleotide variant.
Coding change: c.2614C>T on transcript NM_001080467.3 (MANE Select); coding-DNA position 2614, C replaced by T.
Protein change: p.Arg872Trp; replaces arginine 872 with tryptophan.
Molecular consequence: missense variant.
Genome position (GRCh38, 1-based): chr18:49,902,791, G>A on the plus strand (C>T on the coding strand, the complement: MYO5B is on the minus strand). VCF-style: chr18-49902791-G-A. GRCh37 (hg19) VCF-style: chr18-47429161-G-A.
Other names: short protein forms R872W.
Identifiers: ClinVar variation 1007669 (VCV001007669.7), dbSNP rs199658277, ClinGen allele CA8960993.